The following is an entry in ClinVar:

NM_000722.4(CACNA2D1):c.95+23_95+25dup

Gene: CACNA2D1 (calcium voltage-gated channel auxiliary subunit alpha2delta 1; minus strand). Cytogenetic location: 7q21.11.
Variant type: Duplication.
Coding change: c.95+23_95+25dup on transcript NM_000722.4 (MANE Select); bases 23 to 25 of the intron after coding-DNA position 95, 3 bases duplicated (GAG; older notation c.95+23_95+25dupGAG).
Molecular consequence: intron variant.
Genome position (GRCh38, 1-based): chr7:82,443,340-82,443,342, CTC duplicated on the plus strand (GAG on the coding strand, the reverse complement: CACNA2D1 is on the minus strand); duplicating any 3 consecutive bases within chr7:82,443,340-82,443,343 gives the same sequence; the c. name uses the placement nearest the transcript's 3' end. VCF-style (leftmost placement, unchanged base first): chr7-82443339-G-GCTC. GRCh37 (hg19) VCF-style: chr7-82072655-G-GCTC.
Other names: c.95+23_95+25dup (NM_001366867.1, NM_001302890.2).
Identifiers: ClinVar variation 678716 (VCV000678716.1), dbSNP rs200745853, ClinGen allele CA4318488.

ClinVar aggregate classification (germline): Benign (1 of 4 stars; one submission).

Submission:

GeneDx
Classification: Benign. Last evaluated: 2018-06-15. Review status: criteria provided, single submitter. Criteria: GeneDx Variant Classification (06012015). Collection method: clinical testing. Allele origin: germline. Affected: yes.
Comment: This variant is considered likely benign or benign based on one or more of the following criteria: it is a conservative change, it occurs at a poorly conserved position in the protein, it is predicted to be benign by multiple in silico algorithms, and/or has population frequency not consistent with disease.